The following is an entry in ClinVar:

ClinVar aggregate classification (germline): Uncertain significance (0 of 4 stars; one submission).

Submission:

Department of Pathology and Laboratory Medicine, Sinai Health System
Classification: Uncertain significance. Review status: no assertion criteria provided. Collection method: clinical testing. Allele origin: unknown. Affected: yes. Study: The Canadian Open Genetics Repository (COGR).
Comment: The COL4A5 p.Gln256His variant was not identified in the literature nor was it identified in dbSNP, ClinVar or in the following control databases: the 1000 Genomes Project, the NHLBI GO Exome Sequencing Project, or the Genome Aggregation Database (March 6, 2019, v2.1.1). The p.Gln256 residue is conserved in mammals and computational analyses (PolyPhen-2, SIFT, AlignGVGD, BLOSUM, MutationTaster) provide inconsistent predictions regarding the impact to the protein; this information is not very predictive of pathogenicity. The variant occurs outside of the splicing consensus sequence and in silico or computational prediction software programs (SpliceSiteFinder, MaxEntScan, NNSPLICE, GeneSplicer) do not predict a difference in splicing. In summary, based on the above information the clinical significance of this variant cannot be determined with certainty at this time. This variant is classified as a variant of uncertain significance.

NM_033380.3(COL4A5):c.768G>C (p.Gln256His)

Gene: COL4A5 (collagen type IV alpha 5 chain; plus strand). Cytogenetic location: Xq22.3.
Variant type: single nucleotide variant.
Coding change: c.768G>C on transcript NM_033380.3 (MANE Select); coding-DNA position 768, G replaced by C.
Protein change: p.Gln256His; replaces glutamine 256 with histidine.
Molecular consequence: missense variant.
Genome position (GRCh38, 1-based): chrX:108,578,371, G>C. VCF-style: chrX-108578371-G-C. GRCh37 (hg19) VCF-style: chrX-107821601-G-C.
Other names: c.768G>C, p.Gln256His (NM_000495.5); short protein forms Q256H.
Identifiers: ClinVar variation 1050351 (VCV001050351.1), dbSNP rs2147771484, ClinGen allele CA413924559.
Genomic context (GRCh38, chrX:108,578,371, plus strand): 5'-CCCACCTGGGCCACCTGGGCAGATCAGTGAACAGAAAAGACCAATTGATGTAGAGTTTCA[G>C]AAAGGAGATCAGGTGAGTAAGTAGGGAGGAAGTCAATGAAAATCTTGCTATGGATATGTT-3'
Protein context (NP_203699.1, residues 246-266): EQKRPIDVEF[Gln256His]KGDQGLPGDR